The following is an entry in ClinVar:

NM_000051.4(ATM):c.1435G>T (p.Asp479Tyr)

Gene: ATM (ATM serine/threonine kinase; plus strand). Cytogenetic location: 11q22.3.
Variant type: single nucleotide variant.
Coding change: c.1435G>T on transcript NM_000051.4 (MANE Select); coding-DNA position 1435, G replaced by T.
Protein change: p.Asp479Tyr; replaces aspartic acid 479 with tyrosine.
Molecular consequence: missense variant.
Genome position (GRCh38, 1-based): chr11:108,250,900, G>T. VCF-style: chr11-108250900-G-T. GRCh37 (hg19) VCF-style: chr11-108121627-G-T.
Other names: c.1435G>T, p.Asp479Tyr (NM_001351834.2); short protein forms D479Y.
Identifiers: ClinVar variation 453366 (VCV000453366.15), dbSNP rs1555070953, ClinGen allele CA382534059.
Genomic context (GRCh38, chr11:108,250,900, plus strand): 5'-CTTACGGAAGTTGCATTGTGTCAAGACAAGAGGTCAAACCTAGAAAGCTCACAAAAGTCA[G>T]ATTTATTAAAACTCTGGAATAAAATTTGGTGTATTACCTTTCGTGGTATAAGTTCTGAGC-3'
Protein context (NP_000042.3, residues 469-489): RSNLESSQKS[Asp479Tyr]LLKLWNKIWC

ClinVar aggregate classification (germline): Conflicting classifications of pathogenicity. Review status: criteria provided, conflicting classifications (1 of 4 stars). 5 submissions from 5 submitters: Uncertain significance (3); Likely benign (2). Last evaluated 2025-10-17.

Conditions:
Hereditary cancer-predisposing syndrome. Also called: Tumor predisposition; Hereditary Cancer Syndrome; Neoplastic Syndromes, Hereditary; Hereditary neoplastic syndrome. Identifiers: Orphanet 140162, MedGen C0027672, MeSH D009386, MONDO:0015356.
Ataxia-telangiectasia syndrome (AT). Also called: Cerebello-oculocutaneous telangiectasia; Immunodeficiency with ataxia telangiectasia; Ataxia-telangiectasia, complementation group D; AT, COMPLEMENTATION GROUP C; Ataxia-telangiectasia, complementation group E; LOUIS-BAR SYNDROME. Identifiers: Orphanet 100, MedGen C0004135, MONDO:0008840, OMIM 208900.

Allele frequency attached by ClinVar (database versions not stated): TOPMed below 0.00001.

Submissions (5):

Ambry Genetics
Classification: Likely benign for Hereditary cancer-predisposing syndrome. Last evaluated: 2025-10-17. Review status: criteria provided, single submitter. Criteria: Ambry Variant Classification Scheme 2023. Collection method: clinical testing. Allele origin: germline.

Color Diagnostics, LLC DBA Color Health
Classification: Likely benign for Hereditary cancer-predisposing syndrome. Last evaluated: 2025-04-07. Review status: criteria provided, single submitter. Criteria: ACMG Guidelines, 2015. Collection method: clinical testing. Allele origin: germline.

Quest Diagnostics Nichols Institute San Juan Capistrano
Classification: Uncertain significance. Last evaluated: 2023-12-18. Review status: criteria provided, single submitter. Criteria: Quest Diagnostics criteria. Collection method: clinical testing. Allele origin: unknown.

Labcorp Genetics (formerly Invitae), Labcorp
Classification: Uncertain significance for Ataxia-telangiectasia syndrome. Last evaluated: 2023-12-12. Review status: criteria provided, single submitter. Criteria: Invitae Variant Classification Sherloc (09022015). Collection method: clinical testing. Allele origin: germline.
Comment: This sequence change replaces aspartic acid, which is acidic and polar, with tyrosine, which is neutral and polar, at codon 479 of the ATM protein (p.Asp479Tyr). This variant is not present in population databases (gnomAD no frequency). This variant has not been reported in the literature in individuals affected with ATM-related conditions. ClinVar contains an entry for this variant (Variation ID: 453366). An algorithm developed to predict the effect of missense changes on protein structure and function (PolyPhen-2) suggests that this variant is likely to be disruptive. In summary, the available evidence is currently insufficient to determine the role of this variant in disease. Therefore, it has been classified as a Variant of Uncertain Significance.

GeneDx
Classification: Uncertain significance. Last evaluated: 2020-11-06. Review status: criteria provided, single submitter. Criteria: GeneDx Variant Classification Process June 2021. Collection method: clinical testing. Allele origin: germline. Affected: yes.
Comment: Not observed in large population cohorts (Lek et al., 2016); In silico analysis supports that this missense variant has a deleterious effect on protein structure/function; Observed in blood samples from individuals with chronic lymphocytic leukemia (Guarini 2012); This variant is associated with the following publications: (PMID: 21993670)

Literature cited by the submitters: PubMed 40580951 (cited by Ambry Genetics); PubMed 21993670 (cited by Quest Diagnostics Nichols Institute San Juan Capistrano).